The following is an entry in ClinVar:

ClinVar aggregate classification (germline): Likely benign. Review status: criteria provided, multiple submitters, no conflicts (2 of 4 stars). 4 submissions from 4 submitters: Likely benign (4). Last evaluated 2026-03-27.

Conditions:
Desmin-related myofibrillar myopathy (MFM1). Also called: Desminopathy; Desmin related myopathy (former name); Desmin storage myopathy (former name); DESMIN-RELATED MYOPATHY WITH ARRHYTHMOGENIC RIGHT VENTRICULAR CARDIOMYOPATHY; Myofibrillar myopathy 1; MYOFIBRILLAR MYOPATHY WITH ARRHYTHMOGENIC RIGHT VENTRICULAR CARDIOMYOPATHY. Identifiers: Orphanet 363543, Orphanet 98909, MedGen C1832370, MONDO:0011076, OMIM 601419.
Cardiovascular phenotype. Identifiers: MedGen CN230736.

Allele frequency attached by ClinVar (database versions not stated): ExAC 0.00007; gnomAD 0.00001; gnomAD exomes 0.00002 and 0.00003; ESP Exome Variant Server 0.00008; TOPMed 0.00002.
gnomAD v4.1: 28 of 1,614,050 alleles (0.0017%); highest among the groups gnomAD compares: Middle Eastern, 0.049%; 1 homozygote.

Submissions (4):

Molecular Diagnostic Laboratory for Inherited Cardiovascular Disease, Montreal Heart Institute
Classification: Likely benign. Last evaluated: 2026-03-27. Review status: criteria provided, single submitter. Criteria: ACMG Guidelines, 2015. Collection method: clinical testing. Allele origin: germline. Affected: no.
Comment: BS1

Labcorp Genetics (formerly Invitae), Labcorp
Classification: Likely benign for Desmin-related myofibrillar myopathy. Last evaluated: 2026-01-31. Review status: criteria provided, single submitter. Criteria: Invitae Variant Classification Sherloc (09022015). Collection method: clinical testing. Allele origin: germline.

Ambry Genetics
Classification: Likely benign for Cardiovascular phenotype. Last evaluated: 2024-06-07. Review status: criteria provided, single submitter. Criteria: Ambry Variant Classification Scheme 2023. Collection method: clinical testing. Allele origin: germline.

GeneDx
Classification: Likely benign. Last evaluated: 2015-11-11. Review status: criteria provided, single submitter. Criteria: GeneDx Variant Classification (06012015). Collection method: clinical testing. Allele origin: germline. Affected: yes.
Comment: This variant is considered likely benign or benign based on one or more of the following criteria: it is a conservative change, it occurs at a poorly conserved position in the protein, it is predicted to be benign by multiple in silico algorithms, and/or has population frequency not consistent with disease.

NM_001927.4(DES):c.640-4C>G

Gene: DES (desmin; plus strand). Cytogenetic location: 2q35.
Variant type: single nucleotide variant.
Coding change: c.640-4C>G on transcript NM_001927.4 (MANE Select); 4 bases into the intron before coding-DNA position 640, C replaced by G.
Molecular consequence: intron variant.
Genome position (GRCh38, 1-based): chr2:219,420,247, C>G. VCF-style: chr2-219420247-C-G. GRCh37 (hg19) VCF-style: chr2-220284969-C-G.
Other names: c.640-4C>G (LRG_380t1).
Identifiers: ClinVar variation 381324 (VCV000381324.14), dbSNP rs375680081, ClinGen allele CA2125113.